The following is an entry in ClinVar:

NM_006096.4(NDRG1):c.1092G>A (p.Ser364=)

Gene: NDRG1 (N-myc downstream regulated 1; minus strand). Cytogenetic location: 8q24.22.
Variant type: single nucleotide variant.
Coding change: c.1092G>A on transcript NM_006096.4 (MANE Select); coding-DNA position 1092, G replaced by A.
Protein change: p.Ser364=; no amino-acid change (serine 364 retained).
Molecular consequence: synonymous variant.
Genome position (GRCh38, 1-based): chr8:133,238,971, C>T on the plus strand (G>A on the coding strand, the complement: NDRG1 is on the minus strand). VCF-style: chr8-133238971-C-T. GRCh37 (hg19) VCF-style: chr8-134251214-C-T.
Other names: c.1092G>A, p.Ser364= (NM_001135242.2, NM_001374845.1, NM_001374846.1); c.894G>A, p.Ser298= (NM_001258432.2, NM_001374847.1); c.849G>A, p.Ser283= (NM_001258433.2); c.1143G>A, p.Ser381= (NM_001374844.1).
Identifiers: ClinVar variation 699278 (VCV000699278.17), dbSNP rs578199680, ClinGen allele CA4886421.

ClinVar aggregate classification (germline): Likely benign. Review status: criteria provided, multiple submitters, no conflicts (2 of 4 stars). 3 submissions from 3 submitters: Likely benign (2). 1 of the submissions does not count toward it. Last evaluated 2025-10-01.

Conditions:
Charcot-Marie-Tooth disease type 4D. Also called: Charcot-Marie-Tooth Neuropathy Type 4D; CHARCOT-MARIE-TOOTH DISEASE, DEMYELINATING, TYPE 4D; NEUROPATHY, HEREDITARY MOTOR AND SENSORY, LOM TYPE; CHARCOT-MARIE-TOOTH DISEASE, DEMYELINATING, AUTOSOMAL RECESSIVE, TYPE 4D. Identifiers: Orphanet 99950, MedGen C1832334, MONDO:0011085, OMIM 601455.
Charcot-Marie-Tooth disease type 4. Also called: Charcot-Marie-Tooth disease, type IV; Charcot-Marie-Tooth, Type 4. Identifiers: Orphanet 64749, MedGen C4082197, MONDO:0018995.

Allele frequency attached by ClinVar (database versions not stated): ExAC 0.00003; TOPMed 0.00009.
gnomAD v4.1: 59 of 1,587,158 alleles (0.0037%); highest among the groups gnomAD compares: Admixed American, 0.042%; no homozygotes.

Submissions (3):

CeGaT Center for Human Genetics Tuebingen
Classification: Likely benign. Last evaluated: 2025-10-01. Review status: criteria provided, single submitter. Criteria: CeGaT Center For Human Genetics Tuebingen Variant Classification Criteria Version 2. Collection method: clinical testing. Allele origin: germline. Affected: yes. Observed: 1 variant allele.
Comment: NDRG1: BP4, BP7

Labcorp Genetics (formerly Invitae), Labcorp
Classification: Likely benign for Charcot-Marie-Tooth disease type 4. Last evaluated: 2025-05-15. Review status: criteria provided, single submitter. Criteria: Invitae Variant Classification Sherloc (09022015). Collection method: clinical testing. Allele origin: germline.

Natera, Inc.
Classification: Likely benign for Charcot-Marie-Tooth disease type 4D. Last evaluated: 2020-03-10. Review status: no assertion criteria provided. Collection method: clinical testing. Allele origin: germline. Not counted in ClinVar's aggregate classification.